The following is an entry in ClinVar:

ClinVar aggregate classification (germline): Likely benign (1 of 4 stars; one submission).

Submission:

CeGaT Center for Human Genetics Tuebingen
Classification: Likely benign. Last evaluated: 2026-08-01. Review status: criteria provided, single submitter. Criteria: CeGaT Center For Human Genetics Tuebingen Variant Classification Criteria Version 2. Collection method: clinical testing. Allele origin: germline. Affected: yes. Observed: 1 variant allele.
Comment: NLRP12: PM2:Supporting, BP4, BP7

NM_144687.4(NLRP12):c.1695A>T (p.Gly565=)

Gene: NLRP12 (NLR family pyrin domain containing 12; minus strand). Cytogenetic location: 19q13.42.
Variant type: single nucleotide variant.
Coding change: c.1695A>T on transcript NM_144687.4 (MANE Select); coding-DNA position 1695, A replaced by T.
Protein change: p.Gly565=; no amino-acid change (glycine 565 retained).
Molecular consequence: synonymous variant.
Genome position (GRCh38, 1-based): chr19:53,809,964, T>A on the plus strand (A>T on the coding strand, the complement: NLRP12 is on the minus strand). VCF-style: chr19-53809964-T-A. GRCh37 (hg19) VCF-style: chr19-54313218-T-A.
Other names: c.1695A>T, p.Gly565= (NM_001277126.2, NM_001277129.1).
Identifiers: ClinVar variation 5039164 (VCV005039164.1).